The following is an entry in ClinVar:

ClinVar aggregate classification (germline): Uncertain significance (1 of 4 stars; one submission).

gnomAD v4.1: 2 of 1,607,900 alleles (0.00012%); highest among the groups gnomAD compares: East Asian, 0.0022%; no homozygotes.

Submission:

Labcorp Genetics (formerly Invitae), Labcorp
Classification: Uncertain significance. Last evaluated: 2022-05-20. Review status: criteria provided, single submitter. Criteria: Invitae Variant Classification Sherloc (09022015). Collection method: clinical testing. Allele origin: germline.
Comment: This sequence change replaces arginine, which is basic and polar, with glycine, which is neutral and non-polar, at codon 12 of the DHX38 protein (p.Arg12Gly). In summary, the available evidence is currently insufficient to determine the role of this variant in disease. Therefore, it has been classified as a Variant of Uncertain Significance. Algorithms developed to predict the effect of missense changes on protein structure and function are either unavailable or do not agree on the potential impact of this missense change (SIFT: "Deleterious"; PolyPhen-2: "Benign"; Align-GVGD: "Class C0"). This variant has not been reported in the literature in individuals affected with DHX38-related conditions. This variant is present in population databases (no rsID available, gnomAD 0.003%).

NM_014003.4(DHX38):c.34C>G (p.Arg12Gly)

Gene: DHX38 (DEAH-box helicase 38; plus strand). Cytogenetic location: 16q22.2.
Variant type: single nucleotide variant.
Coding change: c.34C>G on transcript NM_014003.4 (MANE Select); coding-DNA position 34, C replaced by G.
Protein change: p.Arg12Gly; replaces arginine 12 with glycine.
Molecular consequence: missense variant.
Genome position (GRCh38, 1-based): chr16:72,096,191, C>G. VCF-style: chr16-72096191-C-G. GRCh37 (hg19) VCF-style: chr16-72130090-C-G.
Other names: short protein forms R12G.
Identifiers: ClinVar variation 1995674 (VCV001995674.4), dbSNP rs1253593221, ClinGen allele CA396698460.
Genomic context (GRCh38, chr16:72,096,191, plus strand): 5'-CCTTCCAGAGAAATCCCAGATCCTGTGATGGGGGACACCAGTGAGGATGCCTCGATCCAT[C>G]GATTGGAAGGCACTGATCTGGACTGTCAGGTTGGTGGTCTTATTTGCAAGTCCAAAAGTG-3'
Protein context (NP_054722.2, residues 2-22): GDTSEDASIH[Arg12Gly]LEGTDLDCQV